The following is an entry in ClinVar:

ClinVar aggregate classification (germline): Uncertain significance (1 of 4 stars; one submission).

Submission:

Women's Health and Genetics/Laboratory Corporation of America, LabCorp
Classification: Uncertain significance. Last evaluated: 2024-08-16. Review status: criteria provided, single submitter. Criteria: LabCorp Variant Classification Summary - May 2015. Collection method: clinical testing. Allele origin: germline.
Comment: Variant summary: The variant involves the deletion of exons 1-17 in the VPS35 gene. A presumed nomenclature of c.(?_-46)_(*4341_?)del has been designated for the purposes of this classification. This deletion includes the entire coding sequence of the gene. As the exact proximal and distal breakpoints are unknown, it may extend beyond the annotated region of the gene to include other flanking genes. Current evidence is not sufficient to establish loss of function as a mechanism for disease. The variant was absent in 20804 control chromosomes. The available data on variant occurrences in the general population are insufficient to allow any conclusion about variant significance. To our knowledge, no occurrence of c.(?_-46)_(*4341_?)del in individuals affected with Parkinson Disease 17 and no experimental evidence demonstrating its impact on protein function have been reported. No submitters have cited clinical-significance assessments for this variant to ClinVar. Based on the evidence outlined above, the variant was classified as uncertain significance.

NC_000016.9:g.(?_46690043)_(46723091_?)del

Gene: VPS35 (VPS35 retromer complex component; minus strand). Cytogenetic location: 16q11.2.
Variant type: Deletion.
Identifiers: ClinVar variation 3366761 (VCV003366761.1).